The following is an entry in ClinVar:

ClinVar aggregate classification (germline): Uncertain significance (1 of 4 stars; one submission).

Conditions:
Hermansky-Pudlak syndrome 2 (HPS2). Also called: Platelet defects and oculocutaneous albinism. Identifiers: Orphanet 183678, Orphanet 79430, MedGen C1842362, MONDO:0011997, OMIM 608233.

Submission:

Labcorp Genetics (formerly Invitae), Labcorp
Classification: Uncertain significance for Hermansky-Pudlak syndrome 2. Last evaluated: 2019-09-20. Review status: criteria provided, single submitter. Criteria: Invitae Variant Classification Sherloc (09022015). Collection method: clinical testing. Allele origin: germline.
Comment: This variant is not present in population databases (ExAC no frequency). In summary, the available evidence is currently insufficient to determine the role of this variant in disease. Therefore, it has been classified as a Variant of Uncertain Significance. Algorithms developed to predict the effect of missense changes on protein structure and function (SIFT, PolyPhen-2, Align-GVGD) all suggest that this variant is likely to be tolerated, but these predictions have not been confirmed by published functional studies and their clinical significance is uncertain. This variant has not been reported in the literature in individuals with AP3B1-related conditions. This sequence change replaces threonine with alanine at codon 625 of the AP3B1 protein (p.Thr625Ala). The threonine residue is moderately conserved and there is a small physicochemical difference between threonine and alanine.

NM_003664.5(AP3B1):c.1873A>G (p.Thr625Ala)

Gene: AP3B1 (adaptor related protein complex 3 subunit beta 1; minus strand). Cytogenetic location: 5q14.1.
Variant type: single nucleotide variant.
Coding change: c.1873A>G on transcript NM_003664.5 (MANE Select); coding-DNA position 1873, A replaced by G.
Protein change: p.Thr625Ala; replaces threonine 625 with alanine.
Molecular consequence: missense variant.
Genome position (GRCh38, 1-based): chr5:78,128,125, T>C on the plus strand (A>G on the coding strand, the complement: AP3B1 is on the minus strand). VCF-style: chr5-78128125-T-C. GRCh37 (hg19) VCF-style: chr5-77423949-T-C.
Other names: c.1726A>G, p.Thr576Ala (NM_001271769.2); short protein forms T625A, T576A.
Identifiers: ClinVar variation 958612 (VCV000958612.9), dbSNP rs199908785, ClinGen allele CA360187152.
Genomic context (GRCh38, chr5:78,128,125, plus strand): 5'-CGGGCGCCACCTCTGGCCAATTAGATAATTCCAGGTACCCAGTAGCTTTAATGTTGAGAG[T>C]ATGAGATAAGGTGCCAAGCTGGAAATGATCTCTATCTATTAAAAATAGGGAAAAATATAA-3'
Protein context (NP_003655.3, residues 615-635): DHFQLGTLSH[Thr625Ala]LNIKATGYLE